The following is an entry in ClinVar:

ClinVar aggregate classification (germline): Uncertain significance (1 of 4 stars; one submission).

Allele frequency attached by ClinVar (database versions not stated): gnomAD exomes below 0.00001 and 0.00001.
gnomAD v4.1: 2 of 1,593,566 alleles (0.00013%); highest among the groups gnomAD compares: Admixed American, 0.0035%; no homozygotes.

Submission:

Labcorp Genetics (formerly Invitae), Labcorp
Classification: Uncertain significance. Last evaluated: 2022-06-13. Review status: criteria provided, single submitter. Criteria: Invitae Variant Classification Sherloc (09022015). Collection method: clinical testing. Allele origin: germline.
Comment: This sequence change replaces serine, which is neutral and polar, with proline, which is neutral and non-polar, at codon 161 of the USH1C protein (p.Ser161Pro). This variant is present in population databases (no rsID available, gnomAD 0.006%). This variant has not been reported in the literature in individuals affected with USH1C-related conditions. Algorithms developed to predict the effect of missense changes on protein structure and function are either unavailable or do not agree on the potential impact of this missense change (SIFT: "Deleterious"; PolyPhen-2: "Probably Damaging"; Align-GVGD: "Class C0"). In summary, the available evidence is currently insufficient to determine the role of this variant in disease. Therefore, it has been classified as a Variant of Uncertain Significance.

NM_153676.4(USH1C):c.481T>C (p.Ser161Pro)

Gene: USH1C (USH1 protein network component harmonin; minus strand). Cytogenetic location: 11p15.1.
Variant type: single nucleotide variant.
Coding change: c.481T>C on transcript NM_153676.4 (MANE Select); coding-DNA position 481, T replaced by C.
Protein change: p.Ser161Pro; replaces serine 161 with proline.
Molecular consequence: missense variant. On other transcripts: non-coding transcript variant (1).
Genome position (GRCh38, 1-based): chr11:17,527,238, A>G on the plus strand (T>C on the coding strand, the complement: USH1C is on the minus strand). VCF-style: chr11-17527238-A-G. GRCh37 (hg19) VCF-style: chr11-17548785-A-G.
Other names: c.481T>C, p.Ser161Pro (NM_001297764.2, NM_005709.4); short protein forms S161P.
Identifiers: ClinVar variation 1480902 (VCV001480902.3), dbSNP rs1260933169, ClinGen allele CA379795174.